The following is an entry in ClinVar:

ClinVar aggregate classification (germline): Uncertain significance (1 of 4 stars; one submission).

Submission:

Labcorp Genetics (formerly Invitae), Labcorp
Classification: Uncertain significance. Last evaluated: 2024-03-13. Review status: criteria provided, single submitter. Criteria: Invitae Variant Classification Sherloc (09022015). Collection method: clinical testing. Allele origin: germline.
Comment: This sequence change falls in intron 38 of the FLNB gene. It does not directly change the encoded amino acid sequence of the FLNB protein. This variant is not present in population databases (gnomAD no frequency). This variant has not been reported in the literature in individuals affected with FLNB-related conditions. Algorithms developed to predict the effect of sequence changes on RNA splicing suggest that this variant may disrupt the consensus splice site. In summary, the available evidence is currently insufficient to determine the role of this variant in disease. Therefore, it has been classified as a Variant of Uncertain Significance.

NM_001457.4(FLNB):c.6368-19A>G

Gene: FLNB (filamin B; plus strand). Cytogenetic location: 3p14.3.
Variant type: single nucleotide variant.
Coding change: c.6368-19A>G on transcript NM_001457.4 (MANE Select); 19 bases into the intron before coding-DNA position 6368, A replaced by G.
Molecular consequence: intron variant.
Genome position (GRCh38, 1-based): chr3:58,153,356, A>G. VCF-style: chr3-58153356-A-G. GRCh37 (hg19) VCF-style: chr3-58139083-A-G.
Other names: c.6461-19A>G (NM_001164317.2); c.6335-19A>G (NM_001164318.2); c.6296-19A>G (NM_001164319.2).
Identifiers: ClinVar variation 3610120 (VCV003610120.2).